The following is an entry in ClinVar:

NM_000751.3(CHRND):c.731G>A (p.Arg244His)

Gene: CHRND (cholinergic receptor nicotinic delta subunit; plus strand). Cytogenetic location: 2q37.1.
Variant type: single nucleotide variant.
Coding change: c.731G>A on transcript NM_000751.3 (MANE Select); coding-DNA position 731, G replaced by A.
Protein change: p.Arg244His; replaces arginine 244 with histidine.
Molecular consequence: missense variant. On other transcripts: intron variant (1).
Genome position (GRCh38, 1-based): chr2:232,530,050, G>A. VCF-style: chr2-232530050-G-A. GRCh37 (hg19) VCF-style: chr2-233394760-G-A.
Other names: c.686G>A, p.Arg229His (NM_001256657.2); c.428G>A, p.Arg143His (NM_001311196.2); c.239-1302G>A (NM_001311195.2); short protein forms R143H, R229H, R244H.
Identifiers: ClinVar variation 2904613 (VCV002904613.3), dbSNP rs756798072, ClinGen allele CA2168128.

ClinVar aggregate classification (germline): Uncertain significance (1 of 4 stars; one submission).

Conditions:
Lethal multiple pterygium syndrome (LMPS). Identifiers: Orphanet 33108, MedGen C1854678, MONDO:0009668, OMIM 253290.

Allele frequency attached by ClinVar (database versions not stated): gnomAD exomes below 0.00001; ExAC 0.00001; TOPMed 0.00001.
gnomAD v4.1: 6 of 1,614,126 alleles (0.00037%); highest among the groups gnomAD compares: South Asian, 0.0044%; no homozygotes.

Submission:

Labcorp Genetics (formerly Invitae), Labcorp
Classification: Uncertain significance for Lethal multiple pterygium syndrome. Last evaluated: 2023-10-04. Review status: criteria provided, single submitter. Criteria: Invitae Variant Classification Sherloc (09022015). Collection method: clinical testing. Allele origin: germline.
Comment: This sequence change replaces arginine, which is basic and polar, with histidine, which is basic and polar, at codon 244 of the CHRND protein (p.Arg244His). This variant is present in population databases (rs756798072, gnomAD 0.004%). This variant has not been reported in the literature in individuals affected with CHRND-related conditions. Advanced modeling of protein sequence and biophysical properties (such as structural, functional, and spatial information, amino acid conservation, physicochemical variation, residue mobility, and thermodynamic stability) performed at Invitae indicates that this missense variant is expected to disrupt CHRND protein function. This variant disrupts the p.Arg244 amino acid residue in CHRND. Other variant(s) that disrupt this residue have been determined to be pathogenic (PMID: 32360402; Invitae). This suggests that this residue is clinically significant, and that variants that disrupt this residue are likely to be disease-causing. In summary, the available evidence is currently insufficient to determine the role of this variant in disease. Therefore, it has been classified as a Variant of Uncertain Significance.

Literature cited by the submitters: PubMed 32360402.